The following is an entry in ClinVar:

NM_000443.4(ABCB4):c.2858C>T (p.Ala953Val)

Gene: ABCB4 (ATP binding cassette subfamily B member 4; minus strand). Cytogenetic location: 7q21.12.
Variant type: single nucleotide variant.
Coding change: c.2858C>T on transcript NM_000443.4 (MANE Select); coding-DNA position 2858, C replaced by T.
Protein change: p.Ala953Val; replaces alanine 953 with valine.
Molecular consequence: missense variant. On other transcripts: intron variant (1).
Genome position (GRCh38, 1-based): chr7:87,411,959, G>A on the plus strand (C>T on the coding strand, the complement: ABCB4 is on the minus strand). VCF-style: chr7-87411959-G-A. GRCh37 (hg19) VCF-style: chr7-87041275-G-A.
Other names: p.Ala953Val; c.2858C>T, p.Ala953Val (NM_018849.3); c.2783+1658C>T (NM_018850.3); short protein forms A953V.
Identifiers: ClinVar variation 3379771 (VCV003379771.1).

ClinVar aggregate classification (germline): Uncertain significance (1 of 4 stars; one submission).

Submission:

Mayo Clinic Laboratories, Mayo Clinic
Classification: Uncertain significance. Last evaluated: 2024-04-08. Review status: criteria provided, single submitter. Criteria: ACMG Guidelines, 2015. Collection method: clinical testing. Allele origin: germline. Observed: 1 variant allele.
Comment: PP3, PM2